The following is an entry in ClinVar:

NM_000540.3(RYR1):c.7064G>A (p.Arg2355Gln)

Gene: RYR1 (ryanodine receptor 1; plus strand). Cytogenetic location: 19q13.2.
Variant type: single nucleotide variant.
Coding change: c.7064G>A on transcript NM_000540.3 (MANE Select); coding-DNA position 7064, G replaced by A.
Protein change: p.Arg2355Gln; replaces arginine 2355 with glutamine.
Molecular consequence: missense variant.
Genome position (GRCh38, 1-based): chr19:38,499,671, G>A. VCF-style: chr19-38499671-G-A. GRCh37 (hg19) VCF-style: chr19-38990311-G-A.
Other names: c.7064G>A, p.Arg2355Gln (NM_001042723.2); short protein forms R2355Q.
Identifiers: ClinVar variation 860398 (VCV000860398.12), dbSNP rs144526634, ClinGen allele CA069098.

ClinVar aggregate classification (germline): Conflicting classifications of pathogenicity. Review status: criteria provided, conflicting classifications (1 of 4 stars). 5 submissions from 5 submitters: Likely pathogenic (1); Uncertain significance (4). Last evaluated 2026-04-20.

Conditions:
Malignant hyperthermia, susceptibility to, 1 (MHS1). Also called: Malignant hyperthermia suceptibility 1; RYR1-Related Malignant Hyperthermia Susceptibility; Anesthesia related hyperthermia; Malignant hyperpyrexia; Fulminating hyperpyrexia; Pharmacogenic myopathy. Identifiers: Orphanet 423, MedGen C2930980, MONDO:0007783, OMIM 145600.
Central core myopathy (CMYO1A). Also called: Central core disease; Myopathy, central fibrillar; CONGENITAL MYOPATHY 1A, AUTOSOMAL DOMINANT, WITH SUSCEPTIBILITY TO MALIGNANT HYPERTHERMIA. Identifiers: Orphanet 597, MedGen C5830701, MONDO:0007294, OMIM 117000.
Congenital multicore myopathy with external ophthalmoplegia (CMYO1B). Also called: Minicore myopathy with external ophthalmoplegia; MULTIMINICORE DISEASE WITH EXTERNAL OPHTHALMOPLEGIA; MULTICORE MYOPATHY; Minicore myopathy; Congenital myopathy 1B, autosomal recessive. Identifiers: Orphanet 598, Orphanet 98905, MedGen C1850674, MONDO:0009712, OMIM 255320, HP:0003789.
Congenital myopathy with fiber type disproportion. Also called: Congenital fiber-type disproportion; Congenital fiber-type disproportion myopathy. Identifiers: Orphanet 2020, MedGen C0546264, MONDO:0009711. Inheritance: all.
King Denborough syndrome (KDS). Identifiers: MedGen C1840365, MONDO:0020485, OMIM 619542.
RYR1-related disorder. Also called: RYR1-related disorders; RYR1-related condition. Identifiers: MedGen CN239331.

Allele frequency attached by ClinVar (database versions not stated): gnomAD exomes 0.00001; TOPMed 0.00002; ExAC 0.00003; gnomAD 0.00003 and 0.00004; ESP Exome Variant Server 0.00015.
gnomAD v4.1: 14 of 1,599,478 alleles (0.00088%); highest among the groups gnomAD compares: African/African-American, 0.012%; no homozygotes.

Submissions (5):

GeneDx
Classification: Likely pathogenic. Last evaluated: 2026-04-20. Review status: criteria provided, single submitter. Criteria: GeneDx Variant Classification Process June 2021. Collection method: clinical testing. Allele origin: germline.
Comment: Not observed at significant frequency in large population cohorts (gnomAD); In silico analysis supports that this missense variant has a deleterious effect on protein structure/function; Has not been previously published as pathogenic or benign to our knowledge; This variant is associated with the following publications: (PMID: 12668474, 33767344)

Labcorp Genetics (formerly Invitae), Labcorp
Classification: Uncertain significance for RYR1-related disorder. Last evaluated: 2023-10-04. Review status: criteria provided, single submitter. Criteria: Invitae Variant Classification Sherloc (09022015). Collection method: clinical testing. Allele origin: germline.
Comment: This sequence change replaces arginine, which is basic and polar, with glutamine, which is neutral and polar, at codon 2355 of the RYR1 protein (p.Arg2355Gln). This variant is present in population databases (rs144526634, gnomAD 0.01%). This variant has not been reported in the literature in individuals affected with RYR1-related conditions. ClinVar contains an entry for this variant (Variation ID: 860398). Advanced modeling of protein sequence and biophysical properties (such as structural, functional, and spatial information, amino acid conservation, physicochemical variation, residue mobility, and thermodynamic stability) has been performed at Invitae for this missense variant, however the output from this modeling did not meet the statistical confidence thresholds required to predict the impact of this variant on RYR1 protein function. This variant disrupts the p.Arg2355 amino acid residue in RYR1. Other variant(s) that disrupt this residue have been determined to be pathogenic (PMID: 15210166, 19648156, 23558838, 24361844). This suggests that this residue is clinically significant, and that variants that disrupt this residue are likely to be disease-causing. In summary, the available evidence is currently insufficient to determine the role of this variant in disease. Therefore, it has been classified as a Variant of Uncertain Significance.

All of Us Research Program, National Institutes of Health
Classification: Uncertain significance for Malignant hyperthermia, susceptibility to, 1. Last evaluated: 2023-09-04. Review status: criteria provided, single submitter. Criteria: ACMG Guidelines, 2015. Collection method: clinical testing. Allele origin: germline. Inheritance: Autosomal dominant inheritance. Observed: 1 variant allele, 1 heterozygote.
Comment: This missense variant replaces arginine with glutamine at codon 2355 of the RYR1 protein. Computational prediction is inconclusive regarding the impact of this variant on protein structure and function (internally defined REVEL score threshold 0.5 < inconclusive < 0.7, PMID: 27666373). To our knowledge, functional studies have not been reported for this variant. This variant has not been reported in individuals affected with RYR1-related disorders in the literature. This variant has been identified in 3/270886 chromosomes in the general population by the Genome Aggregation Database (gnomAD). A different variant occurring at the same codon, p.Arg2355Trp, is associated with malignant hyperthermia susceptibility (ClinVar variation ID: 133183). Due to the lack of variant-specific data, the available evidence is insufficient to determine the role of p.Arg2355Gln variant in disease conclusively. Therefore, this variant is classified as a Variant of Uncertain Significance.

This study involves interpretation of variants in research participants for the purpose of population health screening. Participant phenotype was not available at the time of variant classification. Additional details can be found in publication PMID: 35346344, PMCID: PMC8962531

Color Diagnostics, LLC DBA Color Health
Classification: Uncertain significance for Malignant hyperthermia, susceptibility to, 1. Last evaluated: 2023-08-23. Review status: criteria provided, single submitter. Criteria: ACMG Guidelines, 2015. Collection method: clinical testing. Allele origin: germline.
Comment: This missense variant replaces arginine with glutamine at codon 2355 of the RYR1 protein. Computational prediction is inconclusive regarding the impact of this variant on protein structure and function. To our knowledge, functional studies have not been reported for this variant. This variant has not been reported in individuals affected with RYR1-related disorders in the literature. This variant has been identified in 3/270886 chromosomes in the general population by the Genome Aggregation Database (gnomAD). A different variant occurring at the same codon, p.Arg2355Trp, is associated with malignant hyperthermia susceptibility (ClinVar variation ID: 133183). Due to the lack of variant-specific data, the available evidence is insufficient to determine the role of p.Arg2355Gln variant in disease conclusively. Therefore, this variant is classified as a Variant of Uncertain Significance.

Fulgent Genetics
Classification: Uncertain significance for Central core myopathy; Malignant hyperthermia, susceptibility to, 1; Congenital myopathy 4A, autosomal dominant; Congenital multicore myopathy with external ophthalmoplegia; King Denborough syndrome. Last evaluated: 2022-05-04. Review status: criteria provided, single submitter. Criteria: ACMG Guidelines, 2015. Collection method: clinical testing. Allele origin: unknown.

Literature cited by the submitters: PubMed 15210166 (cited by Labcorp Genetics (formerly Invitae), Labcorp); PubMed 19648156 (cited by Labcorp Genetics (formerly Invitae), Labcorp); PubMed 23558838 (cited by Labcorp Genetics (formerly Invitae), Labcorp); PubMed 24361844 (cited by Labcorp Genetics (formerly Invitae), Labcorp).